The following is an entry in ClinVar:

ClinVar aggregate classification (germline): Uncertain significance (1 of 4 stars; one submission).

Conditions:
CHARGE syndrome (CHARGE). Also called: CHARGE ASSOCIATION--COLOBOMA, HEART ANOMALY, CHOANAL ATRESIA, RETARDATION, GENITAL AND EAR ANOMALIES; Coloboma, heart anomaly, choanal atresia, retardation, genital and ear anomalies; CHARGE association; Hall-Hittner syndrome; Hittner Hirsch Kreh syndrome. Identifiers: Orphanet 138, MedGen C0265354, MONDO:0008965.

Submission:

Labcorp Genetics (formerly Invitae), Labcorp
Classification: Uncertain significance for CHARGE syndrome. Last evaluated: 2020-02-10. Review status: criteria provided, single submitter. Criteria: Invitae Variant Classification Sherloc (09022015). Collection method: clinical testing. Allele origin: germline.
Comment: Algorithms developed to predict the effect of missense changes on protein structure and function (SIFT, PolyPhen-2, Align-GVGD) all suggest that this variant is likely to be disruptive, but these predictions have not been confirmed by published functional studies and their clinical significance is uncertain. In summary, the available evidence is currently insufficient to determine the role of this variant in disease. Therefore, it has been classified as a Variant of Uncertain Significance. This sequence change replaces asparagine with isoleucine at codon 2891 of the CHD7 protein (p.Asn2891Ile). The asparagine residue is highly conserved and there is a large physicochemical difference between asparagine and isoleucine. This variant is not present in population databases (ExAC no frequency). This variant has not been reported in the literature in individuals with CHD7-related conditions.

NM_017780.4(CHD7):c.8672A>T (p.Asn2891Ile)

Gene: CHD7 (chromodomain helicase DNA binding protein 7; plus strand). Cytogenetic location: 8q12.2.
Variant type: single nucleotide variant.
Coding change: c.8672A>T on transcript NM_017780.4 (MANE Select); coding-DNA position 8672, A replaced by T.
Protein change: p.Asn2891Ile; replaces asparagine 2891 with isoleucine.
Molecular consequence: missense variant.
Genome position (GRCh38, 1-based): chr8:60,865,611, A>T. VCF-style: chr8-60865611-A-T. GRCh37 (hg19) VCF-style: chr8-61778170-A-T.
Other names: c.2525A>T, p.Asn842Ile (NM_001316690.1); short protein forms N842I, N2891I.
Identifiers: ClinVar variation 853699 (VCV000853699.10), dbSNP rs202039728, ClinGen allele CA371310969.